The following is an entry in ClinVar:

ClinVar aggregate classification (germline): Uncertain significance. Review status: criteria provided, single submitter (1 of 4 stars). 2 submissions from 2 submitters: Uncertain significance (1). 1 of the submissions does not count toward it. Last evaluated 2022-07-06.

Conditions:
Epilepsy, juvenile myoclonic, susceptibility to, 10. Identifiers: MedGen C4693613, MONDO:0060671, OMIM 617924.

Allele frequency attached by ClinVar (database versions not stated): gnomAD 0.00001; TOPMed 0.00001; ESP Exome Variant Server 0.00008.
gnomAD v4.1: 40 of 1,613,970 alleles (0.0025%); highest among the groups gnomAD compares: East Asian, 0.027%; no homozygotes.

Submissions (2):

Labcorp Genetics (formerly Invitae), Labcorp
Classification: Uncertain significance. Last evaluated: 2022-07-06. Review status: criteria provided, single submitter. Criteria: Invitae Variant Classification Sherloc (09022015). Collection method: clinical testing. Allele origin: germline.
Comment: This sequence change creates a premature translational stop signal (p.Arg632*) in the ICK gene. While this is not anticipated to result in nonsense mediated decay, it is expected to disrupt the last 1 amino acid(s) of the ICK protein. This variant is present in population databases (rs376111440, gnomAD 0.005%). This premature translational stop signal has been observed in individual(s) with clinical features of juvenile myoclonic epilepsy (PMID: 32178256). ClinVar contains an entry for this variant (Variation ID: 518220). Algorithms developed to predict the effect of variants on protein structure and function are not available or were not evaluated for this variant. Experimental studies have shown that this premature translational stop signal affects ICK function (PMID: 29539279, 32178256). Algorithms developed to predict the effect of sequence changes on RNA splicing suggest that this variant may create or strengthen a splice site. In summary, the available evidence is currently insufficient to determine the role of this variant in disease. Therefore, it has been classified as a Variant of Uncertain Significance.

OMIM
Classification: risk factor for EPILEPSY, JUVENILE MYOCLONIC, SUSCEPTIBILITY TO, 10. Last evaluated: 2018-04-04. Review status: no assertion criteria provided. Collection method: literature only. Allele origin: germline. Not counted in ClinVar's aggregate classification.

Literature cited by the submitters: PubMed 32178256 (cited by Labcorp Genetics (formerly Invitae), Labcorp); PubMed 29539279 (cited by Labcorp Genetics (formerly Invitae), Labcorp and OMIM).

NM_014920.5(CILK1):c.1894C>T (p.Arg632Ter)

Gene: CILK1 (ciliogenesis associated kinase 1; minus strand). Cytogenetic location: 6p12.1.
Variant type: single nucleotide variant.
Coding change: c.1894C>T on transcript NM_014920.5 (MANE Select); coding-DNA position 1894, C replaced by T.
Protein change: p.Arg632Ter; replaces arginine 632 with a stop codon.
Molecular consequence: nonsense. On other transcripts: non-coding transcript variant (1).
Genome position (GRCh38, 1-based): chr6:53,005,154, G>A on the plus strand (C>T on the coding strand, the complement: CILK1 is on the minus strand). VCF-style: chr6-53005154-G-A. GRCh37 (hg19) VCF-style: chr6-52869952-G-A.
Other names: c.1915C>T, p.Arg639Ter (NM_001375397.1); c.1894C>T, p.Arg632Ter (NM_001375398.1, NM_001375399.1, NM_001375400.1 and 3 more transcripts); short protein forms R632*, R639*.
Identifiers: ClinVar variation 518220 (VCV000518220.3), dbSNP rs376111440, ClinGen allele CA3858432.